The following is an entry in ClinVar:

NM_006059.4(LAMC3):c.3027C>G (p.His1009Gln)

Gene: LAMC3 (laminin subunit gamma 3; plus strand). Cytogenetic location: 9q34.12.
Variant type: single nucleotide variant.
Coding change: c.3027C>G on transcript NM_006059.4 (MANE Select); coding-DNA position 3027, C replaced by G.
Protein change: p.His1009Gln; replaces histidine 1009 with glutamine.
Molecular consequence: missense variant.
Genome position (GRCh38, 1-based): chr9:131,069,808, C>G. VCF-style: chr9-131069808-C-G. GRCh37 (hg19) VCF-style: chr9-133945195-C-G.
Other names: short protein forms H1009Q.
Identifiers: ClinVar variation 279833 (VCV000279833.6), dbSNP rs886041210, ClinGen allele CA10603100.

ClinVar aggregate classification (germline): Uncertain significance. Review status: criteria provided, multiple submitters, no conflicts (2 of 4 stars). 2 submissions from 2 submitters: Uncertain significance (2). Last evaluated 2024-09-20.

Submissions (2):

Labcorp Genetics (formerly Invitae), Labcorp
Classification: Uncertain significance. Last evaluated: 2024-09-20. Review status: criteria provided, single submitter. Criteria: Invitae Variant Classification Sherloc (09022015). Collection method: clinical testing. Allele origin: germline.
Comment: This sequence change replaces histidine, which is basic and polar, with glutamine, which is neutral and polar, at codon 1009 of the LAMC3 protein (p.His1009Gln). This variant is not present in population databases (gnomAD no frequency). This variant has not been reported in the literature in individuals affected with LAMC3-related conditions. ClinVar contains an entry for this variant (Variation ID: 279833). An algorithm developed to predict the effect of missense changes on protein structure and function outputs the following: PolyPhen-2: "Benign". The glutamine amino acid residue is found in multiple mammalian species, which suggests that this missense change does not adversely affect protein function. In summary, the available evidence is currently insufficient to determine the role of this variant in disease. Therefore, it has been classified as a Variant of Uncertain Significance.

GeneDx
Classification: Uncertain significance. Last evaluated: 2017-11-10. Review status: criteria provided, single submitter. Criteria: GeneDx Variant Classification (06012015). Collection method: clinical testing. Allele origin: germline. Affected: yes.
Comment: The H1009Q variant has not been published as a pathogenic variant, nor has it been reported as a benign polymorphism to our knowledge. It was not observed in approximately 6,500 individuals of European and African American ancestry in the NHLBI Exome Sequencing Project, indicating it is not a common benign variant in these populations. The H1009Q variant is a semi-conservative amino acid substitution, which may impact secondary protein structure as these residues differ in some properties. However, this substitution occurs at a position that is not conserved across species, and Glutamine is present at this position in evolution. In silico analysis predicts this variant likely does not alter the protein structure/function. Therefore, based on the currently available information, it is unclear whether this variant is a pathogenic or a rare benign variant.